The following is an entry in ClinVar:

NM_001130004.2(ACTN1):c.1625A>G (p.Glu542Gly)

Gene: ACTN1 (actinin alpha 1; minus strand). Cytogenetic location: 14q24.1.
Variant type: single nucleotide variant.
Coding change: c.1625A>G on transcript NM_001130004.2 (MANE Select); coding-DNA position 1625, A replaced by G.
Protein change: p.Glu542Gly; replaces glutamic acid 542 with glycine.
Molecular consequence: missense variant.
Genome position (GRCh38, 1-based): chr14:68,884,178, T>C on the plus strand (A>G on the coding strand, the complement: ACTN1 is on the minus strand). VCF-style: chr14-68884178-T-C. GRCh37 (hg19) VCF-style: chr14-69350895-T-C.
Other names: c.1625A>G, p.Glu542Gly (NM_001102.4, NM_001130005.2, NM_001424012.1 and 7 more transcripts); c.1649A>G, p.Glu550Gly (NM_001411035.1, NM_001424016.1); c.1430A>G, p.Glu477Gly (NM_001411036.1, NM_001424026.1, NM_001424028.1); c.1751A>G, p.Glu584Gly (NM_001424013.1); c.1712A>G, p.Glu571Gly (NM_001424015.1); c.1622A>G, p.Glu541Gly (NM_001424017.1); c.1586A>G, p.Glu529Gly (NM_001424018.1); c.1562A>G, p.Glu521Gly (NM_001424020.1, NM_001424022.1); and 2 more; short protein forms E529G, E541G, E477G, E521G, E571G, E267G, E519G, E542G.
Identifiers: ClinVar variation 2700589 (VCV002700589.4), dbSNP rs370273046, ClinGen allele CA7242318.

ClinVar aggregate classification (germline): Conflicting classifications of pathogenicity. Review status: criteria provided, conflicting classifications (1 of 4 stars). 2 submissions from 2 submitters: Uncertain significance (1); Likely benign (1). Last evaluated 2025-04-01.

Allele frequency attached by ClinVar (database versions not stated): ExAC 0.00002; TOPMed 0.00002; gnomAD 0.00003; gnomAD exomes 0.00004; ESP Exome Variant Server 0.00008.
gnomAD v4.1: 26 of 1,613,638 alleles (0.0016%); highest among the groups gnomAD compares: Non-Finnish European, 0.0022%; no homozygotes.

Submissions (2):

Labcorp Genetics (formerly Invitae), Labcorp
Classification: Uncertain significance. Last evaluated: 2025-04-01. Review status: criteria provided, single submitter. Criteria: Invitae Variant Classification Sherloc (09022015). Collection method: clinical testing. Allele origin: germline.
Comment: This sequence change replaces glutamic acid, which is acidic and polar, with glycine, which is neutral and non-polar, at codon 542 of the ACTN1 protein (p.Glu542Gly). This variant is present in population databases (rs370273046, gnomAD 0.006%). This variant has not been reported in the literature in individuals affected with ACTN1-related conditions. ClinVar contains an entry for this variant (Variation ID: 2700589). Invitae Evidence Modeling of protein sequence and biophysical properties (such as structural, functional, and spatial information, amino acid conservation, physicochemical variation, residue mobility, and thermodynamic stability) indicates that this missense variant is not expected to disrupt ACTN1 protein function with a negative predictive value of 80%. In summary, the available evidence is currently insufficient to determine the role of this variant in disease. Therefore, it has been classified as a Variant of Uncertain Significance.

Blueprint Genetics
Classification: Likely benign. Last evaluated: 2024-10-23. Review status: criteria provided, single submitter. Criteria: ACMG Guidelines, 2015. Collection method: clinical testing. Allele origin: germline.